The following is an entry in ClinVar:

ClinVar aggregate classification (germline): Uncertain significance (1 of 4 stars; one submission).

Allele frequency attached by ClinVar (database versions not stated): gnomAD exomes below 0.00001 and 0.00001; ExAC 0.00001.

Submission:

GeneDx
Classification: Uncertain significance. Last evaluated: 2019-06-17. Review status: criteria provided, single submitter. Criteria: GeneDx Variant Classification Process June 2021. Collection method: clinical testing. Allele origin: germline. Affected: yes.
Comment: Not observed at a significant frequency in large population cohorts (Lek et al., 2016); In silico analysis, which includes protein predictors and evolutionary conservation, supports that this variant does not alter protein structure/function; Has not been previously published as pathogenic or benign to our knowledge

NM_001083961.2(WDR62):c.4543G>A (p.Ala1515Thr)

Gene: WDR62 (WD repeat domain 62; plus strand). Cytogenetic location: 19q13.12.
Variant type: single nucleotide variant.
Coding change: c.4543G>A on transcript NM_001083961.2 (MANE Select); coding-DNA position 4543, G replaced by A.
Protein change: p.Ala1515Thr; replaces alanine 1515 with threonine.
Molecular consequence: missense variant.
Genome position (GRCh38, 1-based): chr19:36,104,999, G>A. VCF-style: chr19-36104999-G-A. GRCh37 (hg19) VCF-style: chr19-36595901-G-A.
Other names: c.4528G>A, p.Ala1510Thr (NM_173636.5); short protein forms A1510T, A1515T.
Identifiers: ClinVar variation 1302142 (VCV001302142.2), dbSNP rs750893805, ClinGen allele CA9396601.